The following is an entry in ClinVar:

ClinVar aggregate classification (germline): Likely benign (1 of 4 stars; one submission).

Submission:

GeneDx
Classification: Likely benign. Last evaluated: 2021-05-10. Review status: criteria provided, single submitter. Criteria: GeneDx Variant Classification Process June 2021. Collection method: clinical testing. Allele origin: germline. Affected: yes.
Comment: See Variant Classification Assertion Criteria.

NM_001364171.2(ODAD1):c.665+197dup

Gene: ODAD1 (outer dynein arm docking complex subunit 1; minus strand). Cytogenetic location: 19q13.33.
Variant type: Duplication.
Coding change: c.665+197dup on transcript NM_001364171.2 (MANE Select); 197 bases into the intron after coding-DNA position 665, one base duplicated (T; older notation c.665+197dupT).
Molecular consequence: intron variant.
Genome position (GRCh38, 1-based): chr19:48,306,059, A duplicated on the plus strand (T on the coding strand, the reverse complement: ODAD1 is on the minus strand); the first of 9 consecutive A bases (chr19:48,306,059-48,306,067); duplicating any one gives the same sequence. VCF-style (leftmost placement, unchanged base first): chr19-48306058-C-CA. GRCh37 (hg19) VCF-style: chr19-48809315-C-CA.
Other names: c.554+197dup (NM_144577.4).
Identifiers: ClinVar variation 1699898 (VCV001699898.2), dbSNP rs200909960, ClinGen allele CA309306469.